The following is an entry in ClinVar:

NM_000377.3(WAS):c.559+2T>C

Gene: WAS (WASP actin nucleation promoting factor; plus strand). Cytogenetic location: Xp11.23.
Variant type: single nucleotide variant.
Coding change: c.559+2T>C on transcript NM_000377.3 (MANE Select); the canonical splice donor site of the intron after coding-DNA position 559, T replaced by C.
Molecular consequence: splice donor variant.
Genome position (GRCh38, 1-based): chrX:48,686,136, T>C. VCF-style: chrX-48686136-T-C. GRCh37 (hg19) VCF-style: chrX-48544525-T-C.
Other names: NC_000023.10:g.48544525T>C; c.559+2T>C (NM_001438879.1, NM_001438877.1, NM_001438878.1 and 1 more transcripts).
Identifiers: ClinVar variation 4491229 (VCV004491229.2).

ClinVar aggregate classification (germline): Pathogenic (1 of 4 stars; one submission).

Conditions:
Wiskott-Aldrich syndrome (WAS). Also called: ALDRICH SYNDROME; IMMUNODEFICIENCY 2; WISKOTT-ALDRICH SYNDROME 1; Wiskott-aldrich syndrome, somatic. Identifiers: Orphanet 906, MedGen C0043194, MONDO:0010518, OMIM 301000.

Submissions (2):

3billion
Classification: Pathogenic for Wiskott-Aldrich syndrome. Last evaluated: 2025-11-05. Review status: criteria provided, single submitter. Criteria: ACMG Guidelines, 2015. Collection method: clinical testing. Allele origin: germline. Affected: yes.
Comment: The variant is not observed in the gnomAD v4.1.0 dataset. Predicted Consequence/Location: Canonical splice site: predicted to alter splicing and result in a loss or disruption of normal protein function. Multiple pathogenic loss-of-function variants are reported downstream of the variant. The variant has been reported to be associated with WAS-related disorder (PMID: 33936041). Therefore, this variant is classified as Pathogenic according to the recommendation of ACMG/AMP guideline.

Dr. Peter K. Rogan Lab, Western University
No classification provided (evidence only). Condition: Thyroid cancer, nonmedullary, 1. Review status: no classification provided. Collection method: in vitro. Allele origin: not applicable. Functional consequence: retained intron. Not counted in ClinVar's aggregate classification.

Literature cited by the submitters: PubMed 33936041 (cited by 3billion).